The following is an entry in ClinVar:

ClinVar aggregate classification (germline): Uncertain significance (1 of 4 stars; one submission).

Conditions:
Progressive microcephaly-seizures-cortical blindness-developmental delay syndrome. Also called: Seizures, cortical blindness, and microcephaly syndrome. Identifiers: Orphanet 477814, MedGen C5567650, MONDO:0014714, OMIM 616632.
Autosomal dominant nonsyndromic hearing loss 1. Also called: DEAFNESS, AUTOSOMAL DOMINANT 1, WITH OR WITHOUT THROMBOCYTOPENIA; KONIGSMARK SYNDROME. Identifiers: Orphanet 90635, MedGen C1852282, MONDO:0007424, OMIM 124900.

gnomAD v4.1: 2 of 1,613,756 alleles (0.00012%); highest among the groups gnomAD compares: Non-Finnish European, 0.00017%; no homozygotes.

Submission:

Labcorp Genetics (formerly Invitae), Labcorp
Classification: Uncertain significance for Progressive microcephaly-seizures-cortical blindness-developmental delay syndrome; Autosomal dominant nonsyndromic hearing loss 1. Last evaluated: 2025-06-09. Review status: criteria provided, single submitter. Criteria: Invitae Variant Classification Sherloc (09022015). Collection method: clinical testing. Allele origin: germline.
Comment: This sequence change replaces proline, which is neutral and non-polar, with leucine, which is neutral and non-polar, at codon 740 of the DIAPH1 protein (p.Pro740Leu). This variant is not present in population databases (gnomAD no frequency). This variant has not been reported in the literature in individuals affected with DIAPH1-related conditions. Experimental studies and prediction algorithms are not available or were not evaluated, and the functional significance of this variant is currently unknown. In summary, the available evidence is currently insufficient to determine the role of this variant in disease. Therefore, it has been classified as a Variant of Uncertain Significance.

NM_005219.5(DIAPH1):c.2219C>T (p.Pro740Leu)

Gene: DIAPH1 (diaphanous related formin 1; minus strand). Cytogenetic location: 5q31.3.
Variant type: single nucleotide variant.
Coding change: c.2219C>T on transcript NM_005219.5 (MANE Select); coding-DNA position 2219, C replaced by T.
Protein change: p.Pro740Leu; replaces proline 740 with leucine.
Molecular consequence: missense variant.
Genome position (GRCh38, 1-based): chr5:141,573,631, G>A on the plus strand (C>T on the coding strand, the complement: DIAPH1 is on the minus strand). VCF-style: chr5-141573631-G-A. GRCh37 (hg19) VCF-style: chr5-140953198-G-A.
Other names: c.2192C>T, p.Pro731Leu (NM_001079812.3); c.2219C>T, p.Pro740Leu (NM_001314007.2); short protein forms P731L, P740L.
Identifiers: ClinVar variation 4785240 (VCV004785240.1).